The following is an entry in ClinVar:

NM_203447.4(DOCK8):c.369G>T (p.Gln123His)

Gene: DOCK8 (dedicator of cytokinesis 8; plus strand). Cytogenetic location: 9p24.3.
Variant type: single nucleotide variant.
Coding change: c.369G>T on transcript NM_203447.4 (MANE Select); coding-DNA position 369, G replaced by T.
Protein change: p.Gln123His; replaces glutamine 123 with histidine.
Molecular consequence: missense variant.
Genome position (GRCh38, 1-based): chr9:289,546, G>T. VCF-style: chr9-289546-G-T. GRCh37 (hg19) VCF-style: chr9-289546-G-T.
Other names: c.165G>T, p.Gln55His (NM_001190458.2, NM_001193536.2); short protein forms Q123H, Q55H.
Identifiers: ClinVar variation 2188578 (VCV002188578.3), dbSNP rs561736790, ClinGen allele CA4957198.

ClinVar aggregate classification (germline): Uncertain significance. Review status: criteria provided, multiple submitters, no conflicts (2 of 4 stars). 2 submissions from 2 submitters: Uncertain significance (2). Last evaluated 2026-01-23.

Conditions:
Hyper-IgE recurrent infection syndrome 3, autosomal recessive. Also called: HYPER-IgE SYNDROME 3, AUTOSOMAL RECESSIVE, WITH RECURRENT INFECTIONS; Autosomal recessive hyper-IgE syndrome due to ZNF341 deficiency. Identifiers: Orphanet 641368, MedGen C4748969, MONDO:0032654, OMIM 618282.

Allele frequency attached by ClinVar (database versions not stated): gnomAD exomes 0.00001; 1000 Genomes Project 30x 0.00016; 1000 Genomes Project 0.00020.
gnomAD v4.1: 6 of 1,613,092 alleles (0.00037%); highest among the groups gnomAD compares: Admixed American, 0.0067%; no homozygotes.

Submissions (2):

Women's Health and Genetics/Laboratory Corporation of America, LabCorp
Classification: Uncertain significance. Last evaluated: 2026-01-23. Review status: criteria provided, single submitter. Criteria: LabCorp Variant Classification Summary - May 2015. Collection method: clinical testing. Allele origin: germline.

Labcorp Genetics (formerly Invitae), Labcorp
Classification: Uncertain significance for Combined immunodeficiency due to DOCK8 deficiency. Last evaluated: 2022-07-09. Review status: criteria provided, single submitter. Criteria: Invitae Variant Classification Sherloc (09022015). Collection method: clinical testing. Allele origin: germline.
Comment: In summary, the available evidence is currently insufficient to determine the role of this variant in disease. Therefore, it has been classified as a Variant of Uncertain Significance. Algorithms developed to predict the effect of missense changes on protein structure and function output the following: SIFT: "Tolerated"; PolyPhen-2: "Benign"; Align-GVGD: "Class C0". The histidine amino acid residue is found in multiple mammalian species, which suggests that this missense change does not adversely affect protein function. This variant has not been reported in the literature in individuals affected with DOCK8-related conditions. This variant is present in population databases (rs561736790, gnomAD 0.009%). This sequence change replaces glutamine, which is neutral and polar, with histidine, which is basic and polar, at codon 123 of the DOCK8 protein (p.Gln123His).